The following is an entry in ClinVar:

NM_032638.5(GATA2):c.1381C>A (p.Pro461Thr)

Gene: GATA2 (GATA binding protein 2; minus strand). Cytogenetic location: 3q21.3.
Variant type: single nucleotide variant.
Coding change: c.1381C>A on transcript NM_032638.5 (MANE Select); coding-DNA position 1381, C replaced by A.
Protein change: p.Pro461Thr; replaces proline 461 with threonine.
Molecular consequence: missense variant.
Genome position (GRCh38, 1-based): chr3:128,481,081, G>T on the plus strand (C>A on the coding strand, the complement: GATA2 is on the minus strand). VCF-style: chr3-128481081-G-T. GRCh37 (hg19) VCF-style: chr3-128199924-G-T.
Other names: c.1381C>A, p.Pro461Thr (NM_001145661.2); c.1339C>A, p.Pro447Thr (NM_001145662.1); short protein forms P447T, P461T.
Identifiers: ClinVar variation 4028492 (VCV004028492.1).

ClinVar aggregate classification (germline): Uncertain significance (1 of 4 stars; one submission).

Conditions:
Inborn genetic diseases. Identifiers: MedGen C0950123, MeSH D030342.

Submission:

Ambry Genetics
Classification: Uncertain significance for Inborn genetic diseases. Last evaluated: 2025-04-18. Review status: criteria provided, single submitter. Criteria: Ambry Variant Classification Scheme 2023. Collection method: clinical testing. Allele origin: germline.
Comment: The p.P461T variant (also known as c.1381C>A), located in coding exon 5 of the GATA2 gene, results from a C to A substitution at nucleotide position 1381. The proline at codon 461 is replaced by threonine, an amino acid with highly similar properties. This amino acid position is conserved. In addition, the in silico prediction for this alteration is inconclusive. Based on the available evidence, the clinical significance of this variant remains unclear.